The following is an entry in ClinVar:

ClinVar aggregate classification (germline): Benign/Likely benign. Review status: criteria provided, multiple submitters, no conflicts (2 of 4 stars). 4 submissions from 4 submitters: Benign (1); Likely benign (3). Last evaluated 2025-12-23.

Allele frequency attached by ClinVar (database versions not stated): gnomAD exomes 0.00011 and 0.00006; ExAC 0.00014; TOPMed 0.00014; gnomAD 0.00015 and 0.00017; ESP Exome Variant Server 0.00047; 1000 Genomes Project below 0.00001.
gnomAD v4.1: 79 of 1,208,557 alleles (0.0065%); highest among the groups gnomAD compares: African/African-American, 0.054%; no homozygotes.

Submissions (4):

Labcorp Genetics (formerly Invitae), Labcorp
Classification: Benign. Last evaluated: 2025-12-23. Review status: criteria provided, single submitter. Criteria: Invitae Variant Classification Sherloc (09022015). Collection method: clinical testing. Allele origin: germline.

CeGaT Center for Human Genetics Tuebingen
Classification: Likely benign. Last evaluated: 2025-05-01. Review status: criteria provided, single submitter. Criteria: CeGaT Center For Human Genetics Tuebingen Variant Classification Criteria Version 2. Collection method: clinical testing. Allele origin: germline. Affected: yes. Observed: 1 variant allele.
Comment: COL4A5: BP4, BS2

Blueprint Genetics
Classification: Likely benign. Last evaluated: 2024-05-21. Review status: criteria provided, single submitter. Criteria: ACMG Guidelines, 2015. Collection method: clinical testing. Allele origin: germline.

GeneDx
Classification: Likely benign. Last evaluated: 2019-03-06. Review status: criteria provided, single submitter. Criteria: GeneDx Variant Classification Process June 2021. Collection method: clinical testing. Allele origin: germline. Affected: yes.

NM_033380.3(COL4A5):c.1275C>T (p.Asp425=)

Gene: COL4A5 (collagen type IV alpha 5 chain; plus strand). Cytogenetic location: Xq22.3.
Variant type: single nucleotide variant.
Coding change: c.1275C>T on transcript NM_033380.3 (MANE Select); coding-DNA position 1275, C replaced by T.
Protein change: p.Asp425=; no amino-acid change (aspartic acid 425 retained).
Molecular consequence: synonymous variant.
Genome position (GRCh38, 1-based): chrX:108,591,167, C>T. VCF-style: chrX-108591167-C-T. GRCh37 (hg19) VCF-style: chrX-107834397-C-T.
Other names: c.1275C>T, p.Asp425= (NM_000495.5).
Identifiers: ClinVar variation 712764 (VCV000712764.23), dbSNP rs144674397, ClinGen allele CA10488700.
Genomic context (GRCh38, chrX:108,591,167, plus strand): 5'-GGGTCAGAAAGGTGATGAAGGACCACCTGGAATTTCCATTCCTGGACCTCCTGGACTTGA[C>T]GGACAGCCTGGGGCTCCTGGGCTTCCAGGGCCTCCTGGCCCTGCTGGCCCTCACATTCCT-3'
Protein context (NP_203699.1, residues 415-435): GISIPGPPGL[Asp425=]GQPGAPGLPG